The following is an entry in ClinVar:

NM_002335.4(LRP5):c.1828G>C (p.Gly610Arg)

Gene: LRP5 (LDL receptor related protein 5; plus strand). Cytogenetic location: 11q13.2.
Variant type: single nucleotide variant.
Coding change: c.1828G>C on transcript NM_002335.4 (MANE Select); coding-DNA position 1828, G replaced by C.
Protein change: p.Gly610Arg; replaces glycine 610 with arginine.
Molecular consequence: missense variant.
Genome position (GRCh38, 1-based): chr11:68,406,550, G>C. VCF-style: chr11-68406550-G-C. GRCh37 (hg19) VCF-style: chr11-68174018-G-C.
Other names: c.85G>C, p.Gly29Arg (NM_001291902.2); c.1828G>C (NM_002335.3); short protein forms G610R, G29R.
Identifiers: ClinVar variation 4912741 (VCV004912741.2).

ClinVar aggregate classification (germline): Pathogenic/Likely pathogenic. Review status: criteria provided, multiple submitters, no conflicts (2 of 4 stars). 2 submissions from 2 submitters: Pathogenic (1); Likely pathogenic (1). Last evaluated 2025-09-11.

Conditions:
LRP5-related disorder. Also called: LRP5-related condition.

gnomAD v4.1: 9 of 1,613,960 alleles (0.00056%); highest among the groups gnomAD compares: South Asian, 0.0022%; no homozygotes.

Submissions (2):

PreventionGenetics, part of Exact Sciences
Classification: Pathogenic for LRP5-related condition. Last evaluated: 2025-09-11. Review status: criteria provided, single submitter. Criteria: ACMG Guidelines, 2015. Collection method: clinical testing. Allele origin: germline.
Comment: The LRP5 c.1828G>C variant is predicted to result in the amino acid substitution p.Gly610Arg. This variant has been reported in the heterozygous state in one individual with persistent hyperplasia of the primary vitreous, bone fractures, and mild intellectual disabilities (Table 1, Ai et al. 2005. PubMed ID: 16252235) and in another individual with familial exudative vitreoretinopathy (Tsilou et al. 2010. ARVO abstracts). It has also been observed in the homozygous state in siblings with non-syndromic congenital retinal nonattachment; however, bone mineral density was not evaluated (Keser et al. 2017. PubMed ID: 28192794). An alternate nucleotide change resulting in the same amino acid substitution (c.1828G>A, p.Gly610Arg) has been reported in the heterozygous condition in one adult with multiple bone fractures (van Velsen et al. 2024. PubMed ID: 39726666), and in compound heterozygous state in one individual with familial exudative vitreoretinopathy (Qin et al. 2005. PubMed ID: 15981244). Functional studies showed this variant affects LRP5 function (Ai et al. 2005. PubMed ID: 16252235). In addition, another variant that alters the same amino acid position (p.Gly610Trp) has been reported in one family with hearing loss (Xia et al. 2017. PubMed ID: 28677207). The c.1828G>C variant is reported in 0.0033% of alleles in individuals of South Asian descent in gnomAD. This variant is interpreted as pathogenic.

Blueprint Genetics
Classification: Likely pathogenic for LRP5-related disorders. Last evaluated: 2020-10-30. Review status: criteria provided, single submitter. Criteria: ACMG Guidelines, 2015. Collection method: clinical testing. Allele origin: germline. Affected: yes. Observed: 3 variant alleles.